The following is an entry in ClinVar:

ClinVar aggregate classification (germline): Uncertain significance (1 of 4 stars; one submission).

Allele frequency attached by ClinVar (database versions not stated): gnomAD exomes below 0.00001; TOPMed below 0.00001.

Submission:

Labcorp Genetics (formerly Invitae), Labcorp
Classification: Uncertain significance. Last evaluated: 2024-01-25. Review status: criteria provided, single submitter. Criteria: Invitae Variant Classification Sherloc (09022015). Collection method: clinical testing. Allele origin: germline.
Comment: This sequence change replaces proline, which is neutral and non-polar, with serine, which is neutral and polar, at codon 258 of the C1S protein (p.Pro258Ser). This variant is not present in population databases (gnomAD no frequency). This variant has not been reported in the literature in individuals affected with C1S-related conditions. Advanced modeling of protein sequence and biophysical properties (such as structural, functional, and spatial information, amino acid conservation, physicochemical variation, residue mobility, and thermodynamic stability) performed at Invitae indicates that this missense variant is not expected to disrupt C1S protein function with a negative predictive value of 80%. In summary, the available evidence is currently insufficient to determine the role of this variant in disease. Therefore, it has been classified as a Variant of Uncertain Significance.

NM_001734.5(C1S):c.772C>T (p.Pro258Ser)

Gene: C1S (complement C1s; plus strand). Cytogenetic location: 12p13.31.
Variant type: single nucleotide variant.
Coding change: c.772C>T on transcript NM_001734.5 (MANE Select); coding-DNA position 772, C replaced by T.
Protein change: p.Pro258Ser; replaces proline 258 with serine.
Molecular consequence: missense variant.
Genome position (GRCh38, 1-based): chr12:7,065,871, C>T. VCF-style: chr12-7065871-C-T. GRCh37 (hg19) VCF-style: chr12-7173175-C-T.
Other names: c.271C>T, p.Pro91Ser (NM_001346850.2); c.772C>T, p.Pro258Ser (NM_201442.4); short protein forms P258S, P91S.
Identifiers: ClinVar variation 2805866 (VCV002805866.3), dbSNP rs1947168295, ClinGen allele CA383697107.